The following is an entry in ClinVar:

ClinVar aggregate classification (germline): Uncertain significance (1 of 4 stars; one submission).

Conditions:
Osteogenesis imperfecta type 8 (OI8). Identifiers: MedGen C1970458, MONDO:0012581, OMIM 610915.

Submission:

Labcorp Genetics (formerly Invitae), Labcorp
Classification: Uncertain significance for Osteogenesis imperfecta type 8. Last evaluated: 2022-06-26. Review status: criteria provided, single submitter. Criteria: Invitae Variant Classification Sherloc (09022015). Collection method: clinical testing. Allele origin: germline.
Comment: In summary, the available evidence is currently insufficient to determine the role of this variant in disease. Therefore, it has been classified as a Variant of Uncertain Significance. Variants that disrupt the consensus splice site are a relatively common cause of aberrant splicing (PMID: 17576681, 9536098). Algorithms developed to predict the effect of sequence changes on RNA splicing suggest that this variant is not likely to affect RNA splicing. This variant has not been reported in the literature in individuals affected with P3H1-related conditions. This variant is not present in population databases (gnomAD no frequency). This sequence change falls in intron 3 of the P3H1 gene. It does not directly change the encoded amino acid sequence of the P3H1 protein. It affects a nucleotide within the consensus splice site.

Literature cited by the submitters: PubMed 17576681; PubMed 9536098.

NM_022356.4(P3H1):c.808+6T>C

Gene: P3H1 (prolyl 3-hydroxylase 1; minus strand). Cytogenetic location: 1p34.2.
Variant type: single nucleotide variant.
Coding change: c.808+6T>C on transcript NM_022356.4 (MANE Select); 6 bases into the intron after coding-DNA position 808, T replaced by C.
Molecular consequence: intron variant.
Genome position (GRCh38, 1-based): chr1:42,759,195, A>G on the plus strand (T>C on the coding strand, the complement: P3H1 is on the minus strand). VCF-style: chr1-42759195-A-G. GRCh37 (hg19) VCF-style: chr1-43224866-A-G.
Other names: c.808+6T>C (NM_001146289.2, NM_001243246.2).
Identifiers: ClinVar variation 2011126 (VCV002011126.4), dbSNP rs2524471741, ClinGen allele CA2580062943.